The following is an entry in ClinVar:

NM_003922.4(HERC1):c.10964C>A (p.Ser3655Tyr)

Gene: HERC1 (HECT and RLD domain containing E3 ubiquitin protein ligase family member 1; minus strand). Cytogenetic location: 15q22.31.
Variant type: single nucleotide variant.
Coding change: c.10964C>A on transcript NM_003922.4 (MANE Select); coding-DNA position 10964, C replaced by A.
Protein change: p.Ser3655Tyr; replaces serine 3655 with tyrosine.
Molecular consequence: missense variant.
Genome position (GRCh38, 1-based): chr15:63,645,597, G>T on the plus strand (C>A on the coding strand, the complement: HERC1 is on the minus strand). VCF-style: chr15-63645597-G-T. GRCh37 (hg19) VCF-style: chr15-63937796-G-T.
Other names: short protein forms S3655Y.
Identifiers: ClinVar variation 4034685 (VCV004034685.2).
Genomic context (GRCh38, chr15:63,645,597, plus strand): 5'-ATGCCATTTACAATAGATGGATGGCAGAGTGAATGTAGACAGCACCAGCATCCCGAAATA[G>T]AGCCCCAGAGTTTCACACTGTCTTCTTTGGCACATGTCATAAGAATATGACCTGTAGGGT-3'
Protein context (NP_003913.3, residues 3645-3665): AKEDSVKLWG[Ser3655Tyr]ISGCWCCLHS

ClinVar aggregate classification (germline): Uncertain significance. Review status: criteria provided, multiple submitters, no conflicts (2 of 4 stars). 2 submissions from 2 submitters: Uncertain significance (2). Last evaluated 2025-10-08.

Conditions:
Inborn genetic diseases. Identifiers: MedGen C0950123, MeSH D030342.

gnomAD v4.1: 39 of 1,612,852 alleles (0.0024%); highest among the groups gnomAD compares: African/African-American, 0.037%; no homozygotes.

Submissions (2):

Labcorp Genetics (formerly Invitae), Labcorp
Classification: Uncertain significance. Last evaluated: 2025-10-08. Review status: criteria provided, single submitter. Criteria: Invitae Variant Classification Sherloc (09022015). Collection method: clinical testing. Allele origin: germline.
Comment: This sequence change replaces serine, which is neutral and polar, with tyrosine, which is neutral and polar, at codon 3655 of the HERC1 protein (p.Ser3655Tyr). This variant is present in population databases (rs367611317, gnomAD 0.05%). This variant has not been reported in the literature in individuals affected with HERC1-related conditions. ClinVar contains an entry for this variant (Variation ID: 4034685). An algorithm developed to predict the effect of missense changes on protein structure and function (PolyPhen-2) suggests that this variant is likely to be tolerated. In summary, the available evidence is currently insufficient to determine the role of this variant in disease. Therefore, it has been classified as a Variant of Uncertain Significance.

Ambry Genetics
Classification: Uncertain significance for Inborn genetic diseases. Last evaluated: 2025-03-26. Review status: criteria provided, single submitter. Criteria: Ambry Variant Classification Scheme 2023. Collection method: clinical testing. Allele origin: germline.